The following is an entry in ClinVar:

ClinVar aggregate classification (germline): Benign/Likely benign. Review status: criteria provided, multiple submitters, no conflicts (2 of 4 stars). 8 submissions from 8 submitters: Benign (1); Likely benign (7). Last evaluated 2025-11-24.

Conditions:
Hereditary cancer-predisposing syndrome. Also called: Hereditary Cancer Syndrome; Hereditary neoplastic syndrome; Neoplastic Syndromes, Hereditary; Tumor predisposition. Identifiers: Orphanet 140162, MedGen C0027672, MeSH D009386, MONDO:0015356.
Hereditary nonpolyposis colorectal neoplasms. Identifiers: MedGen C0009405, MeSH D003123.
Lynch syndrome 4 (LYNCH4). Also called: Colorectal cancer, hereditary nonpolyposis, type 4; Hereditary non-polyposis colorectal cancer, type 4. Identifiers: Orphanet 144, MedGen C1838333, MONDO:0013699, OMIM 614337. Disease mechanism: loss of function.
Lynch syndrome. Identifiers: Orphanet 144, MedGen C4552100, MONDO:0005835. Disease mechanism: loss of function.

Allele frequency attached by ClinVar (database versions not stated): ExAC 0.00003; 1000 Genomes Project 30x 0.00016; 1000 Genomes Project 0.00020.
gnomAD v4.1: 35 of 1,611,626 alleles (0.0022%); highest among the groups gnomAD compares: South Asian, 0.033%; no homozygotes.

Submissions (8):

Labcorp Genetics (formerly Invitae), Labcorp
Classification: Likely benign for Hereditary nonpolyposis colorectal neoplasms. Last evaluated: 2025-11-24. Review status: criteria provided, single submitter. Criteria: Invitae Variant Classification Sherloc (09022015). Collection method: clinical testing. Allele origin: germline.

Quest Diagnostics Nichols Institute San Juan Capistrano
Classification: Likely benign. Last evaluated: 2025-02-10. Review status: criteria provided, single submitter. Criteria: Quest Diagnostics criteria. Collection method: clinical testing. Allele origin: unknown.

Myriad Genetics, Inc.
Classification: Benign for Lynch syndrome 4. Last evaluated: 2025-01-29. Review status: criteria provided, single submitter. Criteria: Myriad Autosomal Dominant, Autosomal Recessive and X-Linked Classification Criteria (2023). Collection method: clinical testing. Allele origin: unknown.
Comment: This variant is considered benign. This variant is a silent/synonymous amino acid change and it is not expected to impact splicing.

All of Us Research Program, National Institutes of Health
Classification: Likely benign for Lynch syndrome. Last evaluated: 2023-12-01. Review status: criteria provided, single submitter. Criteria: ACMG Guidelines, 2015. Collection method: clinical testing. Allele origin: germline. Inheritance: Autosomal dominant inheritance. Observed: 1 variant allele, 1 heterozygote.
Comment: This study involves interpretation of variants in research participants for the purpose of population health screening. Participant phenotype was not available at the time of variant classification. Additional details can be found in publication PMID: 35346344, PMCID: PMC8962531

Department of Pathology and Laboratory Medicine, Sinai Health System
Classification: Likely benign for Lynch syndrome. Last evaluated: 2021-06-22. Review status: criteria provided, single submitter. Criteria: ACMG Guidelines, 2015. Collection method: clinical testing. Allele origin: germline. Affected: yes.

Color Diagnostics, LLC DBA Color Health
Classification: Likely benign for Hereditary cancer-predisposing syndrome. Last evaluated: 2020-06-08. Review status: criteria provided, single submitter. Criteria: ACMG Guidelines, 2015. Collection method: clinical testing. Allele origin: germline.

Ambry Genetics
Classification: Likely benign for Hereditary cancer-predisposing syndrome. Last evaluated: 2018-02-20. Review status: criteria provided, single submitter. Criteria: Ambry Variant Classification Scheme 2023. Collection method: clinical testing. Allele origin: germline.

GeneDx
Classification: Likely benign. Last evaluated: 2016-05-06. Review status: criteria provided, single submitter. Criteria: GeneDx Variant Classification (06012015). Collection method: clinical testing. Allele origin: germline. Affected: yes.
Comment: This variant is considered likely benign or benign based on one or more of the following criteria: it is a conservative change, it occurs at a poorly conserved position in the protein, it is predicted to be benign by multiple in silico algorithms, and/or has population frequency not consistent with disease.

NM_000535.7(PMS2):c.1026A>G (p.Gln342=)

Gene: PMS2 (PMS1 homolog 2, mismatch repair system component; minus strand). Cytogenetic location: 7p22.1.
Variant type: single nucleotide variant.
Coding change: c.1026A>G on transcript NM_000535.7 (MANE Select); coding-DNA position 1026, A replaced by G.
Protein change: p.Gln342=; no amino-acid change (glutamine 342 retained).
Molecular consequence: synonymous variant. On other transcripts: non-coding transcript variant (1), intron variant (2).
Genome position (GRCh38, 1-based): chr7:5,989,918, T>C on the plus strand (A>G on the coding strand, the complement: PMS2 is on the minus strand). VCF-style: chr7-5989918-T-C. GRCh37 (hg19) VCF-style: chr7-6029549-T-C.
Other names: c.621A>G, p.Gln207= (NM_001322003.2, NM_001322004.2, NM_001322005.2 and 1 more transcripts); c.708A>G, p.Gln236= (NM_001322007.2, NM_001322008.2); c.93A>G, p.Gln31= (NM_001322011.2, NM_001322012.2); c.453A>G, p.Gln151= (NM_001322013.2); c.1026A>G, p.Gln342= (NM_001322014.2); c.717A>G, p.Gln239= (NM_001322015.2); c.583+2055A>G (NM_001322010.2); c.988+2055A>G (NM_001322006.2).
Identifiers: ClinVar variation 386013 (VCV000386013.22), dbSNP rs561993366, ClinGen allele CA041575.